The following is an entry in ClinVar:

ClinVar aggregate classification (germline): Pathogenic. Review status: criteria provided, single submitter (1 of 4 stars). 2 submissions from 2 submitters: Pathogenic (1). 1 of the submissions does not count toward it. Last evaluated 2024-10-23.

Conditions:
Propionic acidemia (PROP). Also called: GLYCINEMIA, KETOTIC; HYPERGLYCINEMIA WITH KETOACIDOSIS AND LEUKOPENIA; KETOTIC HYPERGLYCINEMIA. Identifiers: Orphanet 35, MedGen C0268579, MONDO:0011628, OMIM 606054, HP:0003571.

Submissions (2):

Natera, Inc.
Classification: Pathogenic for Propionic acidemia. Last evaluated: 2024-10-23. Review status: criteria provided, single submitter. Criteria: Natera Variant Classification Schema (03/2026). Collection method: clinical testing. Allele origin: germline.
Comment: The c.131delinsATT variant in PCCA is a frameshift variant predicted to shift the reading frame beginning at codon 44 and leads to a stop codon 3 codons downstream. This variant is expected to result in nonsense mediated decay, truncation, or a dysfunctional protein product. This variant is rare in the general population with a frequency below the threshold expected for the associated phenotype(s). This variant has been observed in one or more individuals affected with the associated recessive disease, as either homozygous or compound heterozygous with a second variant (PMID: 35331292, 37689673). Given the available evidence, this variant is classified as Pathogenic.

Laboratory of Metabolic Disorders, Peking University First Hospital
Classification: Pathogenic for Propionic acidemia. Last evaluated: 2019-05-08. Review status: no assertion criteria provided. Collection method: clinical testing. Allele origin: inherited. Affected: yes. Not counted in ClinVar's aggregate classification.

Literature cited by the submitters: PubMed 35331292 (cited by Natera, Inc.); PubMed 37689673 (cited by Natera, Inc.).

NM_000282.4(PCCA):c.131delinsATT (p.Cys44fs)

Gene: PCCA (propionyl-CoA carboxylase subunit alpha; plus strand). Cytogenetic location: 13q32.3.
Variant type: Indel.
Coding change: c.131delinsATT on transcript NM_000282.4 (MANE Select); coding-DNA position 131, G replaced by ATT.
Protein change: p.Cys44fs; shifts the reading frame from cysteine 44.
Molecular consequence: frameshift variant. On other transcripts: 5 prime UTR variant (3), non-coding transcript variant (4), intron variant (3).
Genome position (GRCh38, 1-based): chr13:100,102,908, G replaced by ATT. VCF-style: chr13-100102908-G-ATT. GRCh37 (hg19) VCF-style: chr13-100755162-G-ATT.
Other names: c.131delGinsATT (NM_000282.3); c.131delinsATT, p.Cys44fs (NM_001178004.2, NM_001352605.2, NM_001352606.2 and 1 more transcripts); c.-736delinsATT (NM_001352610.2, NM_001352611.2, NM_001352612.2); c.106-8933delinsATT (NM_001127692.3, NM_001352607.2, NM_001352608.2); c.131delinsATT (NM_000282.3); short protein forms C44fs.
Identifiers: ClinVar variation 638045 (VCV000638045.2), dbSNP rs1594090133, ClinGen allele CA915948666.